The following is an entry in ClinVar:

NM_024422.6(DSC2):c.1875G>A (p.Leu625=)

Gene: DSC2 (desmocollin 2; minus strand). Cytogenetic location: 18q12.1.
Variant type: single nucleotide variant.
Coding change: c.1875G>A on transcript NM_024422.6 (MANE Select); coding-DNA position 1875, G replaced by A.
Protein change: p.Leu625=; no amino-acid change (leucine 625 retained).
Molecular consequence: synonymous variant.
Genome position (GRCh38, 1-based): chr18:31,074,696, C>T on the plus strand (G>A on the coding strand, the complement: DSC2 is on the minus strand). VCF-style: chr18-31074696-C-T. GRCh37 (hg19) VCF-style: chr18-28654662-C-T.
Other names: c.1875G>A, p.Leu625= (NM_004949.5).
Identifiers: ClinVar variation 468371 (VCV000468371.16), dbSNP rs142594406, ClinGen allele CA033498.
Genomic context (GRCh38, chr18:31,074,696, plus strand): 5'-GACATCCTGATGTTGAAAAGGACAAAGCAATTTTCAAAAATATATACCATTAATTGCTTT[C>T]AGTCTCCACATTCTCTGTACTTCTGAAGTAGAACTCTCCAGACTAAAGTCAAAGGGTGGG-3'
Protein context (NP_077740.1, residues 615-635): STSEVQRMWR[Leu625=]KAINDTAARL

ClinVar aggregate classification (germline): Likely benign. Review status: criteria provided, multiple submitters, no conflicts (2 of 4 stars). 5 submissions from 5 submitters: Likely benign (4). 1 of the submissions does not count toward it. Last evaluated 2026-01-18.

Conditions:
Cardiovascular phenotype. Identifiers: MedGen CN230736.
Familial isolated arrhythmogenic right ventricular dysplasia. Identifiers: Orphanet 217656, MedGen C4274968, MONDO:0016342.
Arrhythmogenic right ventricular dysplasia 11. Also called: Arrhythmogenic Right Ventricular Dysplasia/Cardiomyopathy11; ARRHYTHMOGENIC RIGHT VENTRICULAR DYSPLASIA, FAMILIAL, 11; Arrhythmogenic right ventricular dysplasia 11 with mild palmoplantar keratoderma and woolly hair. Identifiers: MedGen C1864850, MONDO:0012506, OMIM 610476.
DSC2-related disorder. Also called: DSC2-related condition.
Cardiomyopathy (CMYO). Also called: Cardiomyopathies. Identifiers: Orphanet 167848, MedGen C0878544, MONDO:0004994, HP:0001638. Inheritance: Various modes of inheritance.

Allele frequency attached by ClinVar (database versions not stated): gnomAD exomes below 0.00001.
gnomAD v4.1: 6 of 1,613,710 alleles (0.00037%); highest among the groups gnomAD compares: Admixed American, 0.005%; no homozygotes.

Submissions (5):

Labcorp Genetics (formerly Invitae), Labcorp
Classification: Likely benign for Arrhythmogenic right ventricular dysplasia 11. Last evaluated: 2026-01-18. Review status: criteria provided, single submitter. Criteria: Invitae Variant Classification Sherloc (09022015). Collection method: clinical testing. Allele origin: germline.

All of Us Research Program, National Institutes of Health
Classification: Likely benign for Familial isolated arrhythmogenic right ventricular dysplasia. Last evaluated: 2023-11-30. Review status: criteria provided, single submitter. Criteria: ACMG Guidelines, 2015. Collection method: clinical testing. Allele origin: germline. Inheritance: Autosomal dominant inheritance. Observed: 5 variant alleles, 5 heterozygotes.
Comment: This study involves interpretation of variants in research participants for the purpose of population health screening. Participant phenotype was not available at the time of variant classification. Additional details can be found in publication PMID: 35346344, PMCID: PMC8962531

Color Diagnostics, LLC DBA Color Health
Classification: Likely benign for Cardiomyopathy. Last evaluated: 2022-09-16. Review status: criteria provided, single submitter. Criteria: ACMG Guidelines, 2015. Collection method: clinical testing. Allele origin: germline.

Ambry Genetics
Classification: Likely benign for Cardiovascular phenotype. Last evaluated: 2020-12-18. Review status: criteria provided, single submitter. Criteria: Ambry Variant Classification Scheme 2023. Collection method: clinical testing. Allele origin: germline.

PreventionGenetics, part of Exact Sciences
Classification: Likely benign for DSC2-related condition. Last evaluated: 2022-04-28. Review status: no assertion criteria provided. Collection method: clinical testing. Allele origin: germline. Not counted in ClinVar's aggregate classification.
Comment: This variant is classified as likely benign based on ACMG/AMP sequence variant interpretation guidelines (Richards et al. 2015 PMID: 25741868, with internal and published modifications).